The following is an entry in ClinVar:

NM_001267550.2(TTN):c.77302C>A (p.Leu25768Ile)

Genes: TTN (titin; minus strand), TTN-AS1 (TTN antisense RNA 1; plus strand). Cytogenetic location: 2q31.2.
Variant type: single nucleotide variant.
Coding change: c.77302C>A on transcript NM_001267550.2 (MANE Select); coding-DNA position 77302, C replaced by A.
Protein change: p.Leu25768Ile; replaces leucine 25768 with isoleucine.
Molecular consequence: missense variant.
Genome position (GRCh38, 1-based): chr2:178,568,830, G>T on the plus strand (C>A on the coding strand, the complement: TTN is on the minus strand). VCF-style: chr2-178568830-G-T. GRCh37 (hg19) VCF-style: chr2-179433557-G-T.
Other names: c.72379C>A, p.Leu24127Ile (NM_001256850.1); c.50107C>A, p.Leu16703Ile (NM_003319.4); c.69598C>A, p.Leu23200Ile (NM_133378.4); c.50482C>A, p.Leu16828Ile (NM_133432.3); c.50683C>A, p.Leu16895Ile (NM_133437.4); short protein forms L16703I, L25768I, L16895I, L23200I, L16828I, L24127I.
Identifiers: ClinVar variation 518969 (VCV000518969.36), dbSNP rs541266544, ClinGen allele CA1989796.

ClinVar aggregate classification (germline): Conflicting classifications of pathogenicity. Review status: criteria provided, conflicting classifications (1 of 4 stars). 5 submissions from 5 submitters: Uncertain significance (2); Likely benign (3). Last evaluated 2025-12-16.

Conditions:
Dilated cardiomyopathy 1G (CMD1G). Identifiers: Orphanet 154, MedGen C1858763, MONDO:0011400, OMIM 604145.
Autosomal recessive limb-girdle muscular dystrophy type 2J (LGMDR10). Also called: MUSCULAR DYSTROPHY, LIMB-GIRDLE, AUTOSOMAL RECESSIVE 10; Limb-girdle muscular dystrophy, type 2J. Identifiers: Orphanet 140922, MedGen C1837342, MONDO:0012127, OMIM 608807.
Cardiovascular phenotype. Identifiers: MedGen CN230736.

Allele frequency attached by ClinVar (database versions not stated): gnomAD below 0.00001 and 0.00005; TOPMed below 0.00001; gnomAD exomes 0.00012; ExAC 0.00017; 1000 Genomes Project 30x 0.00031; 1000 Genomes Project 0.00040.
gnomAD v4.1: 99 of 1,613,174 alleles (0.0061%); highest among the groups gnomAD compares: South Asian, 0.1%; 2 homozygotes.

Submissions (5):

Labcorp Genetics (formerly Invitae), Labcorp
Classification: Likely benign for Dilated cardiomyopathy 1G; Autosomal recessive limb-girdle muscular dystrophy type 2J. Last evaluated: 2025-12-16. Review status: criteria provided, single submitter. Criteria: Invitae Variant Classification Sherloc (09022015). Collection method: clinical testing. Allele origin: germline.

Blueprint Genetics
Classification: Likely benign. Last evaluated: 2024-11-19. Review status: criteria provided, single submitter. Criteria: ACMG Guidelines, 2015. Collection method: clinical testing. Allele origin: germline.

CeGaT Center for Human Genetics Tuebingen
Classification: Uncertain significance. Last evaluated: 2024-04-01. Review status: criteria provided, single submitter. Criteria: CeGaT Center For Human Genetics Tuebingen Variant Classification Criteria Version 2. Collection method: clinical testing. Allele origin: germline. Affected: yes. Observed: 1 variant allele.

GeneDx
Classification: Likely benign. Last evaluated: 2018-08-29. Review status: criteria provided, single submitter. Criteria: GeneDx Variant Classification Process June 2021. Collection method: clinical testing. Allele origin: germline. Affected: yes.

Ambry Genetics
Classification: Uncertain significance for Cardiovascular phenotype. Last evaluated: 2017-01-05. Review status: criteria provided, single submitter. Criteria: Ambry Variant Classification Scheme 2023. Collection method: clinical testing. Allele origin: germline.
Comment: The p.L16703I variant (also known as c.50107C>A), located in coding exon 153 of the TTN gene, results from a C to A substitution at nucleotide position 50107. The leucine at codon 16703 is replaced by isoleucine, an amino acid with highly similar properties, and is located in the A-band region of the N2-B isoform of the titin protein. This amino acid position is not well conserved in available vertebrate species, and isoleucine is the reference amino acid in other vertebrate species. In addition, this alteration is predicted to be tolerated by in silico analysis. Since supporting evidence is limited at this time, the clinical significance of this alteration remains unclear.